The following is an entry in ClinVar:

ClinVar aggregate classification (germline): Uncertain significance (1 of 4 stars; one submission).

Conditions:
Emery-Dreifuss muscular dystrophy (EDMD). Also called: Scapuloperoneal syndrome, X-linked (formerly); Humeroperoneal neuromuscular disease, (formerly). Identifiers: Orphanet 261, MedGen C0410189, MONDO:0016830.

gnomAD v4.1: 21 of 1,613,224 alleles (0.0013%); highest among the groups gnomAD compares: South Asian, 0.0077%; no homozygotes.

Submission:

Labcorp Genetics (formerly Invitae), Labcorp
Classification: Uncertain significance for Emery-Dreifuss muscular dystrophy. Last evaluated: 2025-08-04. Review status: criteria provided, single submitter. Criteria: Invitae Variant Classification Sherloc (09022015). Collection method: clinical testing. Allele origin: germline.
Comment: This sequence change replaces glutamic acid, which is acidic and polar, with lysine, which is basic and polar, at codon 326 of the SUN2 protein (p.Glu326Lys). This variant is present in population databases (rs761363507, gnomAD 0.006%). This variant has not been reported in the literature in individuals affected with SUN2-related conditions. ClinVar contains an entry for this variant (Variation ID: 3701558). An algorithm developed to predict the effect of missense changes on protein structure and function (PolyPhen-2) suggests that this variant is likely to be tolerated. In summary, the available evidence is currently insufficient to determine the role of this variant in disease. Therefore, it has been classified as a Variant of Uncertain Significance.

NM_015374.3(SUN2):c.976G>A (p.Glu326Lys)

Genes: GTPBP1 (GTP binding protein 1; plus strand), SUN2 (Sad1 and UNC84 domain containing 2; minus strand). Cytogenetic location: 22q13.1.
Variant type: single nucleotide variant.
Coding change: c.976G>A on transcript NM_015374.3 (MANE Select); coding-DNA position 976, G replaced by A.
Protein change: p.Glu326Lys; replaces glutamic acid 326 with lysine.
Molecular consequence: missense variant. On other transcripts: intron variant (3).
Genome position (GRCh38, 1-based): chr22:38,742,393, C>T on the plus strand (G>A on the coding strand, the complement: SUN2 is on the minus strand). VCF-style: chr22-38742393-C-T. GRCh37 (hg19) VCF-style: chr22-39138398-C-T.
Other names: c.1039G>A, p.Glu347Lys (NM_001199579.2, NM_001394428.1); c.976G>A, p.Glu326Lys (NM_001199580.2, NM_001394431.1, NM_001394432.1 and 5 more transcripts); c.1069G>A, p.Glu357Lys (NM_001394427.1); c.1021G>A, p.Glu341Lys (NM_001394429.1, NM_001394430.1); c.886G>A, p.Glu296Lys (NM_001394438.1); c.838G>A, p.Glu280Lys (NM_001394439.1, NM_001394440.1, NM_001394441.1); c.484G>A, p.Glu162Lys (NM_001394443.1); c.615-1961G>A (NM_001394444.1, NM_001394445.1); and 1 more; short protein forms E326K, E357K, E296K, E162K, E280K, E341K, E347K.
Identifiers: ClinVar variation 3701558 (VCV003701558.2).